The following is an entry in ClinVar:

NM_000426.4(LAMA2):c.9170C>G (p.Ser3057Ter)

Gene: LAMA2 (laminin subunit alpha 2; plus strand). Cytogenetic location: 6q22.33.
Variant type: single nucleotide variant.
Coding change: c.9170C>G on transcript NM_000426.4 (MANE Select); coding-DNA position 9170, C replaced by G.
Protein change: p.Ser3057Ter; replaces serine 3057 with a stop codon.
Molecular consequence: nonsense.
Genome position (GRCh38, 1-based): chr6:129,514,554, C>G. VCF-style: chr6-129514554-C-G. GRCh37 (hg19) VCF-style: chr6-129835699-C-G.
Other names: c.9158C>G, p.Ser3053Ter (NM_001079823.2); short protein forms S3053*, S3057*.
Identifiers: ClinVar variation 4857199 (VCV004857199.1).

ClinVar aggregate classification (germline): Likely pathogenic (1 of 4 stars; one submission).

Conditions:
Muscular dystrophy, limb-girdle, autosomal recessive 23. Identifiers: Orphanet 565837, MedGen C4748327, MONDO:0029136, OMIM 618138.

Submission:

Institute of Medical Genetics and Genomics, Sir Ganga Ram Hospital
Classification: Likely pathogenic for Muscular dystrophy, limb-girdle, autosomal recessive 23. Review status: criteria provided, single submitter. Criteria: ACMG Guidelines, 2015. Collection method: clinical testing. Allele origin: germline. Inheritance: Autosomal recessive inheritance. Affected: yes. Observed: 1 variant allele, 1 homozygote.
Comment: A homozygous 1 base single nucleotide variant (SNV) has been identified in LAMA2 gene. This change is present in coding exon 64 of this gene resulting a nonsense event [PVS1]. This nonsense variants is not present in the gnomAD (aggregated) database [PM2]. To our knowledge, this variant is not submitted in clinvar database. This variant has not been reported in the literature in individuals affected with LAMA2-related conditions. Based on the available evidences, and phenotypic overlap with the clinical symptoms of the proband, the variant has been classified as “Likely Pathogenic”.